The following is an entry in ClinVar:

NM_005236.3(ERCC4):c.1853G>A (p.Arg618His)

Gene: ERCC4 (ERCC excision repair 4, endonuclease catalytic subunit; plus strand). Cytogenetic location: 16p13.12.
Variant type: single nucleotide variant.
Coding change: c.1853G>A on transcript NM_005236.3 (MANE Select); coding-DNA position 1853, G replaced by A.
Protein change: p.Arg618His; replaces arginine 618 with histidine.
Molecular consequence: missense variant.
Genome position (GRCh38, 1-based): chr16:13,937,807, G>A. VCF-style: chr16-13937807-G-A. GRCh37 (hg19) VCF-style: chr16-14031664-G-A.
Other names: short protein forms R618H.
Identifiers: ClinVar variation 1337090 (VCV001337090.44), dbSNP rs760922582, ClinGen allele CA7910574.
Genomic context (GRCh38, chr16:13,937,807, plus strand): 5'-GTTCTGTCTTAACATGCAGGGTTTACTTTCTTATATACGGAGGTTCAACTGAGGAACAAC[G>A]CTATCTCACTGCTTTGCGGAAAGAAAAGGAAGCTTTTGAAAAACTCATAAGGTAATACAT-3'
Protein context (NP_005227.1, residues 608-628): LIYGGSTEEQ[Arg618His]YLTALRKEKE

ClinVar aggregate classification (germline): Uncertain significance. Review status: criteria provided, multiple submitters, no conflicts (2 of 4 stars). 7 submissions from 7 submitters: Uncertain significance (6). 1 of the submissions does not count toward it. Last evaluated 2023-11-04.

Conditions:
Cockayne syndrome. Identifiers: Orphanet 191, MedGen C0009207, MONDO:0016006.
Xeroderma pigmentosum, group F (XPF). Also called: ERCC4-Related Xeroderma Pigmentosum; XERODERMA PIGMENTOSUM, COMPLEMENTATION GROUP F; XERODERMA PIGMENTOSUM, TYPE F; Xeroderma pigmentosum, type 6; XERODERMA PIGMENTOSUM VI; XP, GROUP F. Identifiers: MedGen C0268140, MONDO:0010215, OMIM 278760.
Fanconi anemia complementation group Q. Identifiers: Orphanet 84, MedGen C3808988, MONDO:0014108, OMIM 615272.
Inborn genetic diseases. Identifiers: MedGen C0950123, MeSH D030342.
ERCC4-related disorder. Also called: ERCC4-related condition.

Allele frequency attached by ClinVar (database versions not stated): TOPMed 0.00002; gnomAD exomes 0.00007; ExAC 0.00009.

Submissions (7):

Labcorp Genetics (formerly Invitae), Labcorp
Classification: Uncertain significance for Fanconi anemia complementation group Q; Xeroderma pigmentosum, group F; Cockayne syndrome. Last evaluated: 2023-11-04. Review status: criteria provided, single submitter. Criteria: Invitae Variant Classification Sherloc (09022015). Collection method: clinical testing. Allele origin: germline.
Comment: This sequence change replaces arginine, which is basic and polar, with histidine, which is basic and polar, at codon 618 of the ERCC4 protein (p.Arg618His). This variant is present in population databases (rs760922582, gnomAD 0.03%). This variant has not been reported in the literature in individuals affected with ERCC4-related conditions. ClinVar contains an entry for this variant (Variation ID: 1337090). Advanced modeling of protein sequence and biophysical properties (such as structural, functional, and spatial information, amino acid conservation, physicochemical variation, residue mobility, and thermodynamic stability) performed at Invitae indicates that this missense variant is expected to disrupt ERCC4 protein function with a positive predictive value of 80%. In summary, the available evidence is currently insufficient to determine the role of this variant in disease. Therefore, it has been classified as a Variant of Uncertain Significance.

CeGaT Center for Human Genetics Tuebingen
Classification: Uncertain significance. Last evaluated: 2022-02-01. Review status: criteria provided, single submitter. Criteria: CeGaT Center For Human Genetics Tuebingen Variant Classification Criteria Version 2. Collection method: clinical testing. Allele origin: germline. Affected: yes. Observed: 1 variant allele.

Ambry Genetics
Classification: Uncertain significance for Inborn genetic diseases. Last evaluated: 2022-01-28. Review status: criteria provided, single submitter. Criteria: Ambry Variant Classification Scheme 2023. Collection method: clinical testing. Allele origin: germline.

Victorian Clinical Genetics Services, Murdoch Childrens Research Institute
Classification: Uncertain significance for Fanconi anemia complementation group Q. Last evaluated: 2020-05-25. Review status: criteria provided, single submitter. Criteria: ACMG Guidelines, 2015. Collection method: clinical testing. Allele origin: germline. Inheritance: Autosomal recessive inheritance. Affected: yes.
Comment: A heterozygous missense variant was identified, NM_005236.2(ERCC4):c.1853G>A in exon 9 of 11 of the ERCC4 gene. This substitution is predicted to create a minor amino acid change from arginine to histidine at position 618 of the protein, NP_005227.1(ERCC4):p.(Arg618His). The arginine at this position has high conservation (100 vertebrates, UCSC), but is not situated in a known functional domain. In silico software predicts this variant to be disease causing (Polyphen, SIFT, CADD, Mutation Taster). The variant is present in the gnomAD population database at a frequency of 0.007% (18 heterozygotes, 0 homozygotes). Two alternative residue changes at the same location has been reported in the gnomAD database at a frequency of 0.001% and 0.01%, respectively. This variant has not been previously reported in clinical cases. Based on information available at the time of curation, this variant has been classified as a VARIANT of UNCERTAIN SIGNIFICANCE (VUS).

Genetic Services Laboratory, University of Chicago
Classification: Uncertain significance. Last evaluated: 2019-03-28. Review status: criteria provided, single submitter. Criteria: ACMG Guidelines, 2015. Collection method: clinical testing. Allele origin: germline. Affected: no.

Breakthrough Genomics
Classification: Uncertain significance. Review status: criteria provided, single submitter. Criteria: ACMG Guidelines, 2015. Collection method: not provided. Allele origin: germline. Inheritance: Autosomal recessive inheritance. Affected: yes.

PreventionGenetics, part of Exact Sciences
Classification: Uncertain significance for ERCC4-related condition. Last evaluated: 2024-08-08. Review status: no assertion criteria provided. Collection method: clinical testing. Allele origin: germline. Not counted in ClinVar's aggregate classification.
Comment: The ERCC4 c.1853G>A variant is predicted to result in the amino acid substitution p.Arg618His. To our knowledge, this variant has not been reported in the literature. This variant is reported in 0.029% of alleles in individuals of South Asian descent in gnomAD. At this time, the clinical significance of this variant is uncertain due to the absence of conclusive functional and genetic evidence.